The following is an entry in ClinVar:

NM_020166.5(MCCC1):c.2079del (p.Thr693_Val694insTer)

Gene: MCCC1 (methylcrotonyl-CoA carboxylase subunit 1; minus strand). Cytogenetic location: 3q27.1.
Variant type: Deletion.
Coding change: c.2079del on transcript NM_020166.5 (MANE Select); coding-DNA position 2079, one base deleted (A; older notation c.2079delA).
Protein change: p.Thr693_Val694insTer.
Molecular consequence: frameshift variant. On other transcripts: non-coding transcript variant (2).
Genome position (GRCh38, 1-based): chr3:183,015,537, T deleted on the plus strand (A on the coding strand, the reverse complement: MCCC1 is on the minus strand). VCF-style (leftmost placement, unchanged base first): chr3-183015536-CT-C. GRCh37 (hg19) VCF-style: chr3-182733324-CT-C.
Other names: V694*; c.2079delA (NM_020166.5, NM_020166.4); c.1728del, p.Thr576_Val577insTer (NM_001293273.2); c.1752del, p.Thr584_Val585insTer (NM_001363880.1).
Identifiers: ClinVar variation 1934 (VCV000001934.23), dbSNP rs119103217, ClinGen allele CA251979.

ClinVar aggregate classification (germline): Pathogenic/Likely pathogenic. Review status: criteria provided, multiple submitters, no conflicts (2 of 4 stars). 8 submissions from 8 submitters: Pathogenic (4); Likely pathogenic (2). 2 of the submissions do not count toward it. Last evaluated 2026-09-28.

Conditions:
MCCC1-related disorder. Also called: MCCC1-related condition.
3-methylcrotonyl-CoA carboxylase 1 deficiency (MCC1D). Also called: MCC 1 deficiency; 3 Alpha methylcrotonylglycinuria 1; MCCD TYPE 1; METHYLCROTONYLGLYCINURIA TYPE I. Identifiers: Orphanet 6, MedGen CN028786, MONDO:0008861, OMIM 210200.

Allele frequency attached by ClinVar (database versions not stated): ExAC 0.00002; gnomAD exomes 0.00001 and 0.00002.

Submissions (8):

GeneDx
Classification: Likely pathogenic. Last evaluated: 2026-09-28. Review status: criteria provided, single submitter. Criteria: GeneDx Variant Classification Process June 2021. Collection method: clinical testing. Allele origin: germline.
Comment: Nonsense variant in the C-terminus predicted to result in protein truncation, as the last 32 amino acid(s) are lost, and other loss-of-function variants have been reported downstream in HGMD; Not observed at significant frequency in large population cohorts (gnomAD); This variant is associated with the following publications: (PMID: 34426522, 32778825, 22642865, 16835865, 11406611, 39055105)

Natera, Inc.
Classification: Likely pathogenic for 3-methylcrotonyl-CoA carboxylase 1 deficiency. Last evaluated: 2025-06-27. Review status: criteria provided, single submitter. Criteria: Natera Variant Classification Schema (03/2026). Collection method: clinical testing. Allele origin: germline.
Comment: The c.2079delA variant in MCCC1 is a frameshift variant predicted to shift the reading frame and introduce a stop codon. This variant is expected to result in nonsense mediated decay, truncation, or a dysfunctional protein product. This variant is rare in the general population with a frequency below the threshold expected for the associated phenotype(s). This variant has been observed in one or more individuals affected with the associated recessive disease, as either homozygous or compound heterozygous with a second variant (PMID: 22642865, 16835865). Given the available evidence, this variant is classified as Likely Pathogenic.

Labcorp Genetics (formerly Invitae), Labcorp
Classification: Pathogenic for 3-methylcrotonyl-CoA carboxylase 1 deficiency. Last evaluated: 2024-09-29. Review status: criteria provided, single submitter. Criteria: Invitae Variant Classification Sherloc (09022015). Collection method: clinical testing. Allele origin: germline.
Comment: This sequence change creates a premature translational stop signal (p.Val694*) in the MCCC1 gene. While this is not anticipated to result in nonsense mediated decay, it is expected to disrupt the last 32 amino acid(s) of the MCCC1 protein. This variant is present in population databases (rs119103217, gnomAD 0.003%). This premature translational stop signal has been observed in individual(s) with 3-methylcrotonyl-CoA carboxylase deficiency (PMID: 11406611, 22642865). ClinVar contains an entry for this variant (Variation ID: 1934). This variant disrupts the C-terminus of the MCCC1 protein. Other variant(s) that disrupt this region (p.Val697Serfs*19) have been observed in individuals with MCCC1-related conditions (PMID: 16010683, 22642865). This suggests that this may be a clinically significant region of the protein. For these reasons, this variant has been classified as Pathogenic.

Baylor Genetics
Classification: Pathogenic for 3-methylcrotonyl-CoA carboxylase 1 deficiency. Last evaluated: 2024-02-16. Review status: criteria provided, single submitter. Criteria: ACMG Guidelines, 2015. Collection method: clinical testing. Allele origin: unknown.

Department of Pathology and Laboratory Medicine, Sinai Health System
Classification: Pathogenic for 3-methylcrotonyl-CoA carboxylase 1 deficiency. Last evaluated: 2023-02-15. Review status: criteria provided, single submitter. Criteria: ACMG Guidelines, 2015. Collection method: research. Allele origin: germline.

Eurofins Ntd Llc (ga)
Classification: Pathogenic. Last evaluated: 2017-11-17. Review status: criteria provided, single submitter. Criteria: EGL Classification Definitions 2015. Collection method: clinical testing. Allele origin: germline. Observed: 1 variant allele, 1 heterozygote.

PreventionGenetics, part of Exact Sciences
Classification: Pathogenic for MCCC1-related condition. Last evaluated: 2024-05-29. Review status: no assertion criteria provided. Collection method: clinical testing. Allele origin: germline. Not counted in ClinVar's aggregate classification.
Comment: The MCCC1 c.2079delA variant is predicted to result in premature protein termination (p.Val694*). This variant has been reported in individuals with autosomal recessive 3-methylcrotonyl-CoA carboxylase deficiency (Holzinger et al 2001. PubMed ID: 11406611; Grünert et al 2012. PubMed ID: 22642865). This variant is reported in 0.0099% of alleles in individuals of Ashkenazi Jewish descent in gnomAD. Nonsense variants in MCCC1 are expected to be pathogenic. This variant is interpreted as pathogenic.

OMIM
Classification: Pathogenic for 3-METHYLCROTONYL-CoA CARBOXYLASE 1 DEFICIENCY. Last evaluated: 2001-06-01. Review status: no assertion criteria provided. Collection method: literature only. Allele origin: germline. Not counted in ClinVar's aggregate classification.

Literature cited by the submitters: PubMed 22642865 (cited by Natera, Inc. and Labcorp Genetics (formerly Invitae), Labcorp); PubMed 16835865 (cited by Natera, Inc.); PubMed 11406611 (cited by Labcorp Genetics (formerly Invitae), Labcorp and OMIM); PubMed 16010683 (cited by Labcorp Genetics (formerly Invitae), Labcorp).